The following is an entry in ClinVar:

ClinVar aggregate classification (germline): Likely pathogenic (1 of 4 stars; one submission).

Conditions:
Familial adenomatous polyposis 1 (FAP1). Also called: POLYPOSIS, ADENOMATOUS INTESTINAL; FAMILIAL ADENOMATOUS POLYPOSIS 1, ATTENUATED. Identifiers: MedGen C2713442, MONDO:0021056, OMIM 175100. Disease mechanism: loss of function.

Submission:

Department of Molecular Diagnostics, Institute of Oncology Ljubljana
Classification: Likely pathogenic for Familial adenomatous polyposis 1. Last evaluated: 2022-05-15. Review status: criteria provided, single submitter. Criteria: ACMG Guidelines, 2015. Collection method: clinical testing. Allele origin: germline. Affected: yes.
Comment: APC:c.1408+743_1408+745delinsACG variant is absent from the large population studies (GnomAd). The deep intronic variant is predicted to create a de novo donor splice site in intron 13 by in silico splicing tools. Functional RNA study has shown that the variant causes a major splicing aberration - pseudoexon inclusion, causing the creation of a premature stop codon (PMID: 35806449). Therefore the variant was classified as likely pathogenic (ACMG/AMP: PM2, PP3, PS3-m, PP4)

Literature cited by the submitters: PubMed 35806449.

NM_000038.6(APC):c.1408+743_1408+745delinsACG

Gene: APC (APC regulator of Wnt signaling pathway; plus strand). Cytogenetic location: 5q22.2.
Variant type: Indel.
Coding change: c.1408+743_1408+745delinsACG on transcript NM_000038.6 (MANE Select); bases 743 to 745 of the intron after coding-DNA position 1408, GCT replaced by ACG.
Molecular consequence: intron variant.
Genome position (GRCh38, 1-based): chr5:112,822,734-112,822,736, GCT replaced by ACG. VCF-style: chr5-112822734-GCT-ACG. GRCh37 (hg19) VCF-style: chr5-112158431-GCT-ACG.
Other names: c.1408+743_1408+745delinsACG (NM_001354895.2, NM_001127510.3); c.1438+743_1438+745delinsACG (NM_001354897.2); c.1135+743_1135+745delinsACG (NM_001354902.2); c.1354+743_1354+745delinsACG (NM_001127511.3); c.1333+743_1333+745delinsACG (NM_001354898.2); c.1030+743_1030+745delinsACG (NM_001354904.2); c.559+743_559+745delinsACG (NM_001354906.2); c.1409-573_1409-571delinsACG (NM_001354896.2); and 5 more.
Identifiers: ClinVar variation 1696411 (VCV001696411.1), dbSNP rs2149794988, ClinGen allele CA2580072608.